The following is an entry in ClinVar:

NM_007254.4(PNKP):c.1126+4A>G

Gene: PNKP (polynucleotide kinase 3'-phosphatase; minus strand). Cytogenetic location: 19q13.33.
Variant type: single nucleotide variant.
Coding change: c.1126+4A>G on transcript NM_007254.4 (MANE Select); 4 bases into the intron after coding-DNA position 1126, A replaced by G.
Molecular consequence: intron variant.
Genome position (GRCh38, 1-based): chr19:49,862,181, T>C on the plus strand (A>G on the coding strand, the complement: PNKP is on the minus strand). VCF-style: chr19-49862181-T-C. GRCh37 (hg19) VCF-style: chr19-50365438-T-C.
Identifiers: ClinVar variation 1348079 (VCV001348079.6), dbSNP rs2122324733, ClinGen allele CA2573156616.

ClinVar aggregate classification (germline): Uncertain significance (1 of 4 stars; one submission).

Conditions:
Developmental and epileptic encephalopathy, 12 (DEE12). Identifiers: MedGen C3150988, MONDO:0013389, OMIM 613722.

Submission:

Labcorp Genetics (formerly Invitae), Labcorp
Classification: Uncertain significance for Developmental and epileptic encephalopathy, 12. Last evaluated: 2023-08-30. Review status: criteria provided, single submitter. Criteria: Invitae Variant Classification Sherloc (09022015). Collection method: clinical testing. Allele origin: germline.
Comment: Variants that disrupt the consensus splice site are a relatively common cause of aberrant splicing (PMID: 17576681, 9536098). Algorithms developed to predict the effect of sequence changes on RNA splicing suggest that this variant may disrupt the consensus splice site. This sequence change falls in intron 12 of the PNKP gene. It does not directly change the encoded amino acid sequence of the PNKP protein. It affects a nucleotide within the consensus splice site. This variant is not present in population databases (gnomAD no frequency). This variant has not been reported in the literature in individuals affected with PNKP-related conditions. ClinVar contains an entry for this variant (Variation ID: 1348079). In summary, the available evidence is currently insufficient to determine the role of this variant in disease. Therefore, it has been classified as a Variant of Uncertain Significance.

Literature cited by the submitters: PubMed 17576681; PubMed 9536098.